The following is an entry in ClinVar:

NM_032802.4(SPPL2A):c.1291G>A (p.Gly431Ser)

Gene: SPPL2A (signal peptide peptidase like 2A; minus strand). Cytogenetic location: 15q21.2.
Variant type: single nucleotide variant.
Coding change: c.1291G>A on transcript NM_032802.4 (MANE Select); coding-DNA position 1291, G replaced by A.
Protein change: p.Gly431Ser; replaces glycine 431 with serine.
Molecular consequence: missense variant.
Genome position (GRCh38, 1-based): chr15:50,722,160, C>T on the plus strand (G>A on the coding strand, the complement: SPPL2A is on the minus strand). VCF-style: chr15-50722160-C-T. GRCh37 (hg19) VCF-style: chr15-51014357-C-T.
Other names: c.1345G>A, p.Gly449Ser (NM_001438111.1); c.1291G>A, p.Gly431Ser (NM_001438112.1); short protein forms G449S, G431S.
Identifiers: ClinVar variation 4711902 (VCV004711902.1).
Genomic context (GRCh38, chr15:50,722,160, plus strand): 5'-ATACAAAGAAAAACAAAAATTTACCAACTGTAGACGAAACATAGTATATGTAAGAAGAAC[C>T]AGTCTGAACATCAAATCTTCTACAGTATGCAATCAACAGGCCTTAAAAACAAAACAAAAC-3'
Protein context (NP_116191.2, residues 421-441): AYCRRFDVQT[Gly431Ser]SSYIYYVSST

ClinVar aggregate classification (germline): Uncertain significance (1 of 4 stars; one submission).

Submission:

Labcorp Genetics (formerly Invitae), Labcorp
Classification: Uncertain significance. Last evaluated: 2025-02-27. Review status: criteria provided, single submitter. Criteria: Invitae Variant Classification Sherloc (09022015). Collection method: clinical testing. Allele origin: germline.
Comment: This sequence change replaces glycine, which is neutral and non-polar, with serine, which is neutral and polar, at codon 431 of the SPPL2A protein (p.Gly431Ser). The frequency data for this variant in the population databases is considered unreliable, as metrics indicate poor data quality at this position in the gnomAD database. This variant has not been reported in the literature in individuals affected with SPPL2A-related conditions. An algorithm developed to predict the effect of missense changes on protein structure and function (PolyPhen-2) suggests that this variant is likely to be tolerated. Algorithms developed to predict the effect of sequence changes on RNA splicing suggest that this variant may disrupt the consensus splice site. In summary, the available evidence is currently insufficient to determine the role of this variant in disease. Therefore, it has been classified as a Variant of Uncertain Significance.